The following is an entry in ClinVar:

ClinVar aggregate classification (germline): Likely pathogenic (0 of 4 stars; one submission).

Conditions:
Pyruvate kinase deficiency of red cells (CNSHA2). Also called: PK DEFICIENCY; PYRUVATE KINASE DEFICIENCY OF ERYTHROCYTE; Pyruvate kinase deficiency, Amish type. Identifiers: Orphanet 766, MedGen C0340968, MONDO:0009950, OMIM 266200.

Submission:

Genetics laboratory, Institute of Kidney Diseases & Research Centre Dr. H.L. Trivedi Institute Of Transplantation Sciences
Classification: Likely pathogenic for Pyruvate kinase deficiency of red cells. Review status: no assertion criteria provided. Collection method: clinical testing. Allele origin: germline. Inheritance: Autosomal recessive inheritance. Affected: yes. Observed: 1 variant allele, 1 homozygote.
Comment: non-truncating missense variant located within a critical and well-established functional domain is known to be intolerant to benign missense variation, and missense changes are a common disease mechanism (PP2, supporting). The variant has an extremely low frequency in population databases, including gnomAD (PM2, moderate), and multiple in silico prediction tools consistently support a deleterious effect on protein structure or function (PP3, moderate). Collectively, this evidence supports a Likely Pathogenic classification consistent with pyruvate kinase deficiency–associated variants reported in the literature.

NM_000298.6(PKLR):c.857C>T (p.Ser286Phe)

Gene: PKLR (pyruvate kinase L/R; minus strand). Cytogenetic location: 1q22.
Variant type: single nucleotide variant.
Coding change: c.857C>T on transcript NM_000298.6 (MANE Select); coding-DNA position 857, C replaced by T.
Protein change: p.Ser286Phe; replaces serine 286 with phenylalanine.
Molecular consequence: missense variant.
Genome position (GRCh38, 1-based): chr1:155,294,590, G>A on the plus strand (C>T on the coding strand, the complement: PKLR is on the minus strand). VCF-style: chr1-155294590-G-A. GRCh37 (hg19) VCF-style: chr1-155264381-G-A.
Other names: c.764C>T, p.Ser255Phe (NM_181871.4); short protein forms S255F, S286F.
Identifiers: ClinVar variation 4279709 (VCV004279709.1).